The following is an entry in ClinVar:

NM_001040142.2(SCN2A):c.1456_1457del (p.Ser486fs)

Gene: SCN2A (sodium voltage-gated channel alpha subunit 2; plus strand). Cytogenetic location: 2q24.3.
Variant type: Microsatellite.
Coding change: c.1456_1457del on transcript NM_001040142.2 (MANE Select); coding-DNA positions 1456 to 1457, 2 bases deleted (AG; older notation c.1456_1457delAG).
Protein change: p.Ser486fs; shifts the reading frame from serine 486.
Molecular consequence: frameshift variant.
Genome position (GRCh38, 1-based): chr2:165,315,543-165,315,544, AG deleted; deleting any 2 consecutive bases within chr2:165,315,539-165,315,544 gives the same sequence; the c. name uses the placement nearest the transcript's 3' end. VCF-style (leftmost placement, unchanged base first): chr2-165315538-CAG-C. GRCh37 (hg19) VCF-style: chr2-166172048-CAG-C.
Other names: c.1456_1457del, p.Ser486fs (NM_001040143.2, NM_001371246.1, NM_001371247.1 and 1 more transcripts); short protein forms S486fs.
Identifiers: ClinVar variation 984899 (VCV000984899.21), dbSNP rs1697695664, ClinGen allele CA1304534247.
Genomic context (GRCh38, chr2:165,315,538, plus strand): 5'-CTGCAGCCGCATCTGCTGAATCAAGAGACTTCAGTGGTGCTGGTGGGATAGGAGTTTTTT[CAG>C]AGAGTTCTTCAGTAGCATCTAAGTTGAGCTCCAAAAGTGAAAAAGAGCTGAAAAACAGAA-3'

ClinVar aggregate classification (germline): Pathogenic (1 of 4 stars; one submission).

Conditions:
Complex neurodevelopmental disorder. Identifiers: Orphanet 528084, MedGen C5568766, MONDO:0100038.

Submission:

CeGaT Center for Human Genetics Tuebingen
Classification: Pathogenic. Last evaluated: 2024-05-01. Review status: criteria provided, single submitter. Criteria: CeGaT Center For Human Genetics Tuebingen Variant Classification Criteria Version 2. Collection method: clinical testing. Allele origin: germline. Affected: yes. Observed: 1 variant allele.
Comment: SCN2A: PVS1, PM2